The following is an entry in ClinVar:

NM_001365480.1(CCDC88A):c.1662G>C (p.Lys554Asn)

Gene: CCDC88A (coiled-coil domain containing 88A; minus strand). Cytogenetic location: 2p16.1.
Variant type: single nucleotide variant.
Coding change: c.1662G>C on transcript NM_001365480.1 (MANE Select); coding-DNA position 1662, G replaced by C.
Protein change: p.Lys554Asn; replaces lysine 554 with asparagine.
Molecular consequence: missense variant.
Genome position (GRCh38, 1-based): chr2:55,335,159, C>G on the plus strand (G>C on the coding strand, the complement: CCDC88A is on the minus strand). VCF-style: chr2-55335159-C-G. GRCh37 (hg19) VCF-style: chr2-55562295-C-G.
Other names: c.1662G>C, p.Lys554Asn (NM_001135597.2, NM_001254943.2, NM_018084.5); c.1662G>C (NM_001135597.1); short protein forms K554N.
Identifiers: ClinVar variation 1435107 (VCV001435107.4), dbSNP rs759101523, ClinGen allele CA47605326.

ClinVar aggregate classification (germline): Uncertain significance. Review status: criteria provided, multiple submitters, no conflicts (2 of 4 stars). 2 submissions from 2 submitters: Uncertain significance (2). Last evaluated 2023-11-14.

Allele frequency attached by ClinVar (database versions not stated): gnomAD exomes 0.00001; gnomAD 0.00004; TOPMed 0.00006.
gnomAD v4.1: 20 of 1,469,638 alleles (0.0014%); highest among the groups gnomAD compares: Admixed American, 0.017%; 1 homozygote.

Submissions (2):

Ambry Genetics
Classification: Uncertain significance. Last evaluated: 2023-11-14. Review status: criteria provided, single submitter. Criteria: Ambry Variant Classification Scheme 2023. Collection method: clinical testing. Allele origin: germline.

Labcorp Genetics (formerly Invitae), Labcorp
Classification: Uncertain significance. Last evaluated: 2022-08-22. Review status: criteria provided, single submitter. Criteria: Invitae Variant Classification Sherloc (09022015). Collection method: clinical testing. Allele origin: germline.
Comment: This sequence change replaces lysine, which is basic and polar, with asparagine, which is neutral and polar, at codon 554 of the CCDC88A protein (p.Lys554Asn). This variant is present in population databases (rs759101523, gnomAD 0.002%). This variant has not been reported in the literature in individuals affected with CCDC88A-related conditions. ClinVar contains an entry for this variant (Variation ID: 1435107). Algorithms developed to predict the effect of missense changes on protein structure and function are either unavailable or do not agree on the potential impact of this missense change (SIFT: "Deleterious"; PolyPhen-2: "Probably Damaging"; Align-GVGD: "Class C0"). In summary, the available evidence is currently insufficient to determine the role of this variant in disease. Therefore, it has been classified as a Variant of Uncertain Significance.